The following is an entry in ClinVar:

NM_022167.4(XYLT2):c.2225G>A (p.Arg742His)

Gene: XYLT2 (xylosyltransferase 2; plus strand). Cytogenetic location: 17q21.33.
Variant type: single nucleotide variant.
Coding change: c.2225G>A on transcript NM_022167.4 (MANE Select); coding-DNA position 2225, G replaced by A.
Protein change: p.Arg742His; replaces arginine 742 with histidine.
Molecular consequence: missense variant.
Genome position (GRCh38, 1-based): chr17:50,358,490, G>A. VCF-style: chr17-50358490-G-A. GRCh37 (hg19) VCF-style: chr17-48435851-G-A.
Other names: short protein forms R742H.
Identifiers: ClinVar variation 2066893 (VCV002066893.2), dbSNP rs369581548, ClinGen allele CA8646688.

ClinVar aggregate classification (germline): Uncertain significance (1 of 4 stars; one submission).

Allele frequency attached by ClinVar (database versions not stated): TOPMed 0.00009; gnomAD 0.00005; ExAC 0.00002; gnomAD exomes 0.00004.
gnomAD v4.1: 68 of 1,614,008 alleles (0.0042%); highest among the groups gnomAD compares: Admixed American, 0.017%; no homozygotes.

Submission:

Labcorp Genetics (formerly Invitae), Labcorp
Classification: Uncertain significance. Last evaluated: 2022-06-07. Review status: criteria provided, single submitter. Criteria: Invitae Variant Classification Sherloc (09022015). Collection method: clinical testing. Allele origin: germline.
Comment: In summary, the available evidence is currently insufficient to determine the role of this variant in disease. Therefore, it has been classified as a Variant of Uncertain Significance. Algorithms developed to predict the effect of missense changes on protein structure and function output the following: SIFT: "Deleterious"; PolyPhen-2: "Benign"; Align-GVGD: "Class C0". The histidine amino acid residue is found in multiple mammalian species, which suggests that this missense change does not adversely affect protein function. This variant has not been reported in the literature in individuals affected with XYLT2-related conditions. The frequency data for this variant in the population databases is considered unreliable, as metrics indicate poor data quality at this position in the gnomAD database. This sequence change replaces arginine, which is basic and polar, with histidine, which is basic and polar, at codon 742 of the XYLT2 protein (p.Arg742His).